The following is an entry in ClinVar:

NM_006231.4(POLE):c.183C>G (p.Gly61=)

Gene: POLE (DNA polymerase epsilon, catalytic subunit; minus strand). Cytogenetic location: 12q24.33.
Variant type: single nucleotide variant.
Coding change: c.183C>G on transcript NM_006231.4 (MANE Select); coding-DNA position 183, C replaced by G.
Protein change: p.Gly61=; no amino-acid change (glycine 61 retained).
Molecular consequence: synonymous variant.
Genome position (GRCh38, 1-based): chr12:132,681,159, G>C on the plus strand (C>G on the coding strand, the complement: POLE is on the minus strand). VCF-style: chr12-132681159-G-C. GRCh37 (hg19) VCF-style: chr12-133257745-G-C.
Identifiers: ClinVar variation 3683215 (VCV003683215.2).

ClinVar aggregate classification (germline): Uncertain significance (1 of 4 stars; one submission).

Submission:

Labcorp Genetics (formerly Invitae), Labcorp
Classification: Uncertain significance. Last evaluated: 2024-05-01. Review status: criteria provided, single submitter. Criteria: Invitae Variant Classification Sherloc (09022015). Collection method: clinical testing. Allele origin: germline.
Comment: This sequence change affects codon 61 of the POLE mRNA. It is a 'silent' change, meaning that it does not change the encoded amino acid sequence of the POLE protein. This variant is not present in population databases (gnomAD no frequency). This variant has not been reported in the literature in individuals affected with POLE-related conditions. Algorithms developed to predict the effect of sequence changes on RNA splicing suggest that this variant may disrupt the consensus splice site. In summary, the available evidence is currently insufficient to determine the role of this variant in disease. Therefore, it has been classified as a Variant of Uncertain Significance.